The following is an entry in ClinVar:

ClinVar aggregate classification (germline): Pathogenic (1 of 4 stars; one submission).

Conditions:
Congenital hyperammonemia, type I. Also called: CPS I DEFICIENCY; Carbamoyl phosphate synthetase I deficiency disease; Carbamoyl-phosphate synthase I deficiency; Carbamoyl phosphate synthetase 1 deficiency; Hyperammonemia due to carbamoyl phosphate synthetase 1 deficiency; CPS 1 deficiency. Identifiers: Orphanet 147, MedGen C4082171, MONDO:0009376, OMIM 237300.

Submission:

Labcorp Genetics (formerly Invitae), Labcorp
Classification: Pathogenic for Congenital hyperammonemia, type I. Last evaluated: 2023-11-17. Review status: criteria provided, single submitter. Criteria: Invitae Variant Classification Sherloc (09022015). Collection method: clinical testing. Allele origin: germline.
Comment: This sequence change creates a premature translational stop signal (p.Gln318*) in the CPS1 gene. It is expected to result in an absent or disrupted protein product. Loss-of-function variants in CPS1 are known to be pathogenic (PMID: 21120950). This variant is not present in population databases (gnomAD no frequency). This variant has not been reported in the literature in individuals affected with CPS1-related conditions. For these reasons, this variant has been classified as Pathogenic.

Literature cited by the submitters: PubMed 21120950.

NM_001875.5(CPS1):c.952C>T (p.Gln318Ter)

Gene: CPS1 (carbamoyl-phosphate synthase 1; plus strand). Cytogenetic location: 2q34.
Variant type: single nucleotide variant.
Coding change: c.952C>T on transcript NM_001875.5 (MANE Select); coding-DNA position 952, C replaced by T.
Protein change: p.Gln318Ter; replaces glutamine 318 with a stop codon.
Molecular consequence: nonsense. On other transcripts: non-coding transcript variant (1).
Genome position (GRCh38, 1-based): chr2:210,591,835, C>T. VCF-style: chr2-210591835-C-T. GRCh37 (hg19) VCF-style: chr2-211456559-C-T.
Other names: c.952C>T, p.Gln318Ter (NM_001122633.3, NM_001369257.1); c.985C>T, p.Gln329Ter (NM_001369256.1); short protein forms Q318*, Q329*.
Identifiers: ClinVar variation 2810937 (VCV002810937.3), dbSNP rs1335664604, ClinGen allele CA350430396.